The following is an entry in ClinVar:

NM_000038.6(APC):c.7709C>A (p.Ser2570Ter)

Gene: APC (APC regulator of Wnt signaling pathway; plus strand). Cytogenetic location: 5q22.2.
Variant type: single nucleotide variant.
Coding change: c.7709C>A on transcript NM_000038.6 (MANE Select); coding-DNA position 7709, C replaced by A.
Protein change: p.Ser2570Ter; replaces serine 2570 with a stop codon.
Molecular consequence: nonsense. On other transcripts: non-coding transcript variant (2).
Genome position (GRCh38, 1-based): chr5:112,843,303, C>A. VCF-style: chr5-112843303-C-A. GRCh37 (hg19) VCF-style: chr5-112179000-C-A.
Other names: c.7709C>A, p.Ser2570Ter (NM_001127510.3, NM_001354895.2, NM_001407450.1); c.7655C>A, p.Ser2552Ter (NM_001127511.3); c.7763C>A, p.Ser2588Ter (NM_001354896.2, NM_001407447.1, NM_001407448.1 and 1 more transcripts); c.7739C>A, p.Ser2580Ter (NM_001354897.2); c.7634C>A, p.Ser2545Ter (NM_001354898.2); c.7625C>A, p.Ser2542Ter (NM_001354899.2); c.7586C>A, p.Ser2529Ter (NM_001354900.2); c.7532C>A, p.Ser2511Ter (NM_001354901.2, NM_001407453.1); and 12 more; short protein forms S2186*, S2287*, S2410*, S2441*, S2444*, S2469*, S2479*, S2487*.
Identifiers: ClinVar variation 2583886 (VCV002583886.2), dbSNP rs1561617778, ClinGen allele CA16038077.

ClinVar aggregate classification (germline): Pathogenic. Review status: criteria provided, multiple submitters, no conflicts (2 of 4 stars). 2 submissions from 2 submitters: Pathogenic (2). Last evaluated 2024-07-03.

Conditions:
Familial adenomatous polyposis 1 (FAP1). Also called: FAMILIAL ADENOMATOUS POLYPOSIS 1, ATTENUATED; POLYPOSIS, ADENOMATOUS INTESTINAL. Identifiers: MedGen C2713442, MONDO:0021056, OMIM 175100. Disease mechanism: loss of function.
Hereditary cancer-predisposing syndrome. Also called: Hereditary neoplastic syndrome; Tumor predisposition; Hereditary Cancer Syndrome; Neoplastic Syndromes, Hereditary. Identifiers: Orphanet 140162, MedGen C0027672, MeSH D009386, MONDO:0015356.

gnomAD v4.1: 1 of 1,613,436 alleles (0.000062%); highest among the groups gnomAD compares: South Asian, 0.0011%; no homozygotes.

Submissions (2):

Ambry Genetics
Classification: Pathogenic for Hereditary cancer-predisposing syndrome. Last evaluated: 2024-07-03. Review status: criteria provided, single submitter. Criteria: Ambry Variant Classification Scheme 2023. Collection method: clinical testing. Allele origin: germline.
Comment: The p.S2570* pathogenic mutation (also known as c.7709C>A), located in coding exon 15 of the APC gene, results from a C to A substitution at nucleotide position 7709. This changes the amino acid from a serine to a stop codon within coding exon 15. This alteration occurs at the 3' terminus of theAPC gene, is not expected to trigger nonsense-mediated mRNA decay, and impacts the last 10% of the protein. However, premature stop codons are typically deleterious in nature and the impacted region is critical for protein function (Ambry internal data). This variant has been observed in at least one individual with a personal and/or family history that is consistent with APC-associated disease (Ambry internal data). This variant is considered to be rare based on population cohorts in the Genome Aggregation Database (gnomAD). Based on the supporting evidence, this variant is interpreted as a disease-causing mutation.

Myriad Genetics, Inc.
Classification: Pathogenic for Familial adenomatous polyposis 1. Last evaluated: 2023-05-16. Review status: criteria provided, single submitter. Criteria: Myriad Autosomal Dominant, Autosomal Recessive and X-Linked Classification Criteria (2023). Collection method: clinical testing. Allele origin: unknown.
Comment: This variant is considered pathogenic. This variant creates a termination codon and is predicted to result in premature protein truncation.